The following is an entry in ClinVar:

NM_006231.4(POLE):c.840A>C (p.Lys280Asn)

Gene: POLE (DNA polymerase epsilon, catalytic subunit; minus strand). Cytogenetic location: 12q24.33.
Variant type: single nucleotide variant.
Coding change: c.840A>C on transcript NM_006231.4 (MANE Select); coding-DNA position 840, A replaced by C.
Protein change: p.Lys280Asn; replaces lysine 280 with asparagine.
Molecular consequence: missense variant.
Genome position (GRCh38, 1-based): chr12:132,676,615, T>G on the plus strand (A>C on the coding strand, the complement: POLE is on the minus strand). VCF-style: chr12-132676615-T-G. GRCh37 (hg19) VCF-style: chr12-133253201-T-G.
Other names: short protein forms K280N.
Identifiers: ClinVar variation 484477 (VCV000484477.26), dbSNP rs908089476, ClinGen allele CA246299115.

ClinVar aggregate classification (germline): Uncertain significance. Review status: criteria provided, multiple submitters, no conflicts (2 of 4 stars). 6 submissions from 6 submitters: Uncertain significance (5). 1 of the submissions does not count toward it. Last evaluated 2025-12-03.

Conditions:
Colorectal cancer, susceptibility to, 12 (CRCS12). Also called: COLORECTAL CANCER, SUSCEPTIBILITY TO, ON CHROMOSOME 12q24. Identifiers: Orphanet 220460, MedGen C3554460, MONDO:0014038, OMIM 615083.
Hereditary cancer-predisposing syndrome. Also called: Neoplastic Syndromes, Hereditary; Tumor predisposition; Hereditary Cancer Syndrome; Hereditary neoplastic syndrome. Identifiers: Orphanet 140162, MedGen C0027672, MeSH D009386, MONDO:0015356.
POLE-related disorder. Also called: POLE-related disorders; POLE-related condition.
Polymerase proofreading-related adenomatous polyposis. Also called: Polymerase proofreading associated polyposis; Polymerase proofreading–associated polyposis (PPAP). Identifiers: Orphanet 447877, MedGen C5202613, MONDO:0018653.

Allele frequency attached by ClinVar (database versions not stated): TOPMed below 0.00001; gnomAD exomes 0.00001.
gnomAD v4.1: 11 of 1,613,908 alleles (0.00068%); highest among the groups gnomAD compares: Non-Finnish European, 0.00085%; no homozygotes.

Submissions (6):

Labcorp Genetics (formerly Invitae), Labcorp
Classification: Uncertain significance. Last evaluated: 2025-12-03. Review status: criteria provided, single submitter. Criteria: Invitae Variant Classification Sherloc (09022015). Collection method: clinical testing. Allele origin: germline.
Comment: This sequence change replaces lysine, which is basic and polar, with asparagine, which is neutral and polar, at codon 280 of the POLE protein (p.Lys280Asn). This variant is not present in population databases (gnomAD no frequency). This variant has not been reported in the literature in individuals affected with POLE-related conditions. ClinVar contains an entry for this variant (Variation ID: 484477). Invitae Evidence Modeling of protein sequence and biophysical properties (such as structural, functional, and spatial information, amino acid conservation, physicochemical variation, residue mobility, and thermodynamic stability) indicates that this missense variant is expected to disrupt POLE protein function with a positive predictive value of 80%. In summary, the available evidence is currently insufficient to determine the role of this variant in disease. Therefore, it has been classified as a Variant of Uncertain Significance.

Ambry Genetics
Classification: Uncertain significance for Hereditary cancer-predisposing syndrome. Last evaluated: 2024-05-31. Review status: criteria provided, single submitter. Criteria: Ambry Variant Classification Scheme 2023. Collection method: clinical testing. Allele origin: germline.
Comment: The p.K280N variant (also known as c.840A>C), located in coding exon 9 of the POLE gene, results from an A to C substitution at nucleotide position 840. The lysine at codon 280 is replaced by asparagine, an amino acid with similar properties. This amino acid position is highly conserved in available vertebrate species. In addition, this alteration is predicted to be tolerated by in silico analysis. Based on the available evidence, the clinical significance of this variant remains unclear.

Baylor Genetics
Classification: Uncertain significance for Colorectal cancer, susceptibility to, 12. Last evaluated: 2023-06-22. Review status: criteria provided, single submitter. Criteria: ACMG Guidelines, 2015. Collection method: clinical testing. Allele origin: unknown.

Sema4
Classification: Uncertain significance for Hereditary cancer-predisposing syndrome. Last evaluated: 2022-01-21. Review status: criteria provided, single submitter. Criteria: Sema4 Curation Guidelines. Collection method: curation. Allele origin: germline.
Comment: The POLE c.840A>C (p.K280N) variant has not been reported in the literature to our knowledge. This variant was not observed in the large and broad cohorts of the Genome Aggregation Database (PMID: 32461654). The variant has been reported in ClinVar (Variation ID: 484477). Functional studies have not been performed, and in silico predictions of the variant's effect on protein function are inconclusive. The evidence is insufficient to meet ACMG/AMP criteria for classifying the variant as benign or pathogenic. Thus, the clinical significance of this variant is currently uncertain.

GeneDx
Classification: Uncertain significance. Last evaluated: 2021-03-23. Review status: criteria provided, single submitter. Criteria: GeneDx Variant Classification Process June 2021. Collection method: clinical testing. Allele origin: germline. Affected: yes.
Comment: Not observed in large population cohorts (Lek 2016); In silico analysis supports that this missense variant has a deleterious effect on protein structure/function; Has not been previously published as pathogenic or benign to our knowledge

PreventionGenetics, part of Exact Sciences
Classification: Uncertain significance for POLE-related condition. Last evaluated: 2024-01-03. Review status: no assertion criteria provided. Collection method: clinical testing. Allele origin: germline. Not counted in ClinVar's aggregate classification.
Comment: The POLE c.840A>C variant is predicted to result in the amino acid substitution p.Lys280Asn. To our knowledge, this variant has not been reported in the literature or in a large population database, indicating this variant is rare. It is interpreted as uncertain significance in ClinVar. At this time, the clinical significance of this variant is uncertain due to the absence of conclusive functional and genetic evidence.